The following is an entry in ClinVar:

ClinVar aggregate classification (germline): Uncertain significance. Review status: criteria provided, multiple submitters, no conflicts (2 of 4 stars). 3 submissions from 3 submitters: Uncertain significance (3). Last evaluated 2025-10-03.

Conditions:
Familial juvenile hyperuricemic nephropathy type 1 (ADTKD1). Also called: Glomerulocystic kidney disease with hyperuricemia and isosthenuria; Medullary cystic kidney disease 2; Autosomal Dominant Tubulointerstitial Kidney Disease – UMOD; UMOD-Associated Kidney Disease; Uromodulin-associated kidney disease. Identifiers: Orphanet 209886, Orphanet 34149, Orphanet 88950, MedGen C4551496, MONDO:0008073, OMIM 162000.

Allele frequency attached by ClinVar (database versions not stated): gnomAD exomes below 0.00001; TOPMed below 0.00001; ExAC 0.00001; gnomAD 0.00001; 1000 Genomes Project 30x 0.00016.
gnomAD v4.1: 41 of 1,614,202 alleles (0.0025%); highest among the groups gnomAD compares: East Asian, 0.085%; 1 homozygote.

Submissions (3):

Rare Kidney Stone Consortium and the Mayo Clinic Hyperoxaluria Center, Mayo Clinic
Classification: Uncertain significance for Familial juvenile hyperuricemic nephropathy type 1. Last evaluated: 2025-10-03. Review status: criteria provided, single submitter. Criteria: ACMG Guidelines, 2015. Collection method: research. Allele origin: germline. Observed: 2 variant alleles.
Comment: ACMG:PM2, PP3

Labcorp Genetics (formerly Invitae), Labcorp
Classification: Uncertain significance. Last evaluated: 2025-08-10. Review status: criteria provided, single submitter. Criteria: Invitae Variant Classification Sherloc (09022015). Collection method: clinical testing. Allele origin: germline.
Comment: This sequence change replaces tryptophan, which is neutral and slightly polar, with cysteine, which is neutral and slightly polar, at codon 377 of the UMOD protein (p.Trp377Cys). This variant is present in population databases (rs201738891, gnomAD 0.006%). This variant has not been reported in the literature in individuals affected with UMOD-related conditions. ClinVar contains an entry for this variant (Variation ID: 318292). Invitae Evidence Modeling of protein sequence and biophysical properties (such as structural, functional, and spatial information, amino acid conservation, physicochemical variation, residue mobility, and thermodynamic stability) indicates that this missense variant is not expected to disrupt UMOD protein function with a negative predictive value of 80%. In summary, the available evidence is currently insufficient to determine the role of this variant in disease. Therefore, it has been classified as a Variant of Uncertain Significance.

Illumina Laboratory Services, Illumina
Classification: Uncertain significance for UMOD-Associated Kidney Disease. Last evaluated: 2018-01-13. Review status: criteria provided, single submitter. Criteria: ICSL Variant Classification Criteria 13 December 2019. Collection method: clinical testing. Allele origin: germline.

Literature cited by the submitters: PubMed 40794449 (cited by Rare Kidney Stone Consortium and the Mayo Clinic Hyperoxaluria Center, Mayo Clinic).

NM_003361.4(UMOD):c.1131G>C (p.Trp377Cys)

Gene: UMOD (uromodulin; minus strand). Cytogenetic location: 16p12.3.
Variant type: single nucleotide variant.
Coding change: c.1131G>C on transcript NM_003361.4 (MANE Select); coding-DNA position 1131, G replaced by C.
Protein change: p.Trp377Cys; replaces tryptophan 377 with cysteine.
Molecular consequence: missense variant. On other transcripts: non-coding transcript variant (1).
Genome position (GRCh38, 1-based): chr16:20,346,177, C>G on the plus strand (G>C on the coding strand, the complement: UMOD is on the minus strand). VCF-style: chr16-20346177-C-G. GRCh37 (hg19) VCF-style: chr16-20357499-C-G.
Other names: c.1131G>C, p.Trp377Cys (NM_001008389.3, NM_001378232.1, NM_001378233.1 and 3 more transcripts); c.1230G>C, p.Trp410Cys (NM_001278614.2); short protein forms W377C, W410C.
Identifiers: ClinVar variation 318292 (VCV000318292.17), dbSNP rs201738891, ClinGen allele CA7939293.
Genomic context (GRCh38, chr16:20,346,177, plus strand): 5'-AGGACGTACCGTCAACACTGTCCCACAGGGGCCATCCCGGGCTGGGGTCACTACAGACAC[C>G]CAGTCCCGGTTGTCTCTGTCATTGAAGCCCGAGCACCGGCTGTCACTCAGGTACATGAAG-3'
Protein context (NP_003352.2, residues 367-387): SGFNDRDNRD[Trp377Cys]VSVVTPARDG